The following is an entry in ClinVar:

NM_005909.5(MAP1B):c.5591C>T (p.Thr1864Ile)

Gene: MAP1B (microtubule associated protein 1B; plus strand). Cytogenetic location: 5q13.2.
Variant type: single nucleotide variant.
Coding change: c.5591C>T on transcript NM_005909.5 (MANE Select); coding-DNA position 5591, C replaced by T.
Protein change: p.Thr1864Ile; replaces threonine 1864 with isoleucine.
Molecular consequence: missense variant.
Genome position (GRCh38, 1-based): chr5:72,198,946, C>T. VCF-style: chr5-72198946-C-T. GRCh37 (hg19) VCF-style: chr5-71494773-C-T.
Other names: c.5213C>T, p.Thr1738Ile (NM_001324255.2); short protein forms T1738I, T1864I.
Identifiers: ClinVar variation 3626683 (VCV003626683.2).

ClinVar aggregate classification (germline): Uncertain significance (1 of 4 stars; one submission).

gnomAD v4.1: 6 of 1,614,086 alleles (0.00037%); highest among the groups gnomAD compares: Admixed American, 0.005%; no homozygotes.

Submission:

Labcorp Genetics (formerly Invitae), Labcorp
Classification: Uncertain significance. Last evaluated: 2024-02-23. Review status: criteria provided, single submitter. Criteria: Invitae Variant Classification Sherloc (09022015). Collection method: clinical testing. Allele origin: germline.
Comment: This sequence change replaces threonine, which is neutral and polar, with isoleucine, which is neutral and non-polar, at codon 1864 of the MAP1B protein (p.Thr1864Ile). This variant is present in population databases (no rsID available, gnomAD 0.0009%). This variant has not been reported in the literature in individuals affected with MAP1B-related conditions. Algorithms developed to predict the effect of missense changes on protein structure and function output the following: SIFT: "Not Available"; PolyPhen-2: "Possibly Damaging"; Align-GVGD: "Not Available". The isoleucine amino acid residue is found in multiple mammalian species, which suggests that this missense change does not adversely affect protein function. In summary, the available evidence is currently insufficient to determine the role of this variant in disease. Therefore, it has been classified as a Variant of Uncertain Significance.